The following is an entry in ClinVar:

NM_001369.3(DNAH5):c.2246del (p.Phe749fs)

Genes: DNAH5 (dynein axonemal heavy chain 5; minus strand), DNAH5-AS1 (DNAH5 antisense RNA 1; plus strand). Cytogenetic location: 5p15.2.
Variant type: Deletion.
Coding change: c.2246del on transcript NM_001369.3 (MANE Select); coding-DNA position 2246, one base deleted (T; older notation c.2246delT).
Protein change: p.Phe749fs; shifts the reading frame from phenylalanine 749.
Molecular consequence: frameshift variant. On other transcripts: non-coding transcript variant (1).
Genome position (GRCh38, 1-based): chr5:13,900,219, A deleted on the plus strand (T on the coding strand, the reverse complement: DNAH5 is on the minus strand); the first of 2 consecutive A bases (chr5:13,900,219-13,900,220); deleting either gives the same sequence. VCF-style (leftmost placement, unchanged base first): chr5-13900218-GA-G. GRCh37 (hg19) VCF-style: chr5-13900327-GA-G.
Other names: short protein forms F749fs.
Identifiers: ClinVar variation 5015954 (VCV005015954.1).
Genomic context (GRCh38, chr5:13,900,218, plus strand): 5'-CATTCCAGAGCTAGCCAAGAATGGGGGGAAAAAATAAAAGTAGTATACCTTCATGTTACT[GA>G]AGTTCCTTTTGTATCTATCTCGTTTCTGGAAGAGGGAAGTTGCCAGTGGAGAGACTTCCA-3'

ClinVar aggregate classification (germline): Pathogenic (1 of 4 stars; one submission).

Conditions:
Primary ciliary dyskinesia 3. Identifiers: Orphanet 244, MedGen C1837618, MONDO:0012085, OMIM 608644.

Submission:

Myriad Genetics, Inc.
Classification: Pathogenic for Primary ciliary dyskinesia 3. Last evaluated: 2026-05-25. Review status: criteria provided, single submitter. Criteria: Myriad Autosomal Dominant, Autosomal Recessive and X-Linked Classification Criteria (2023). Collection method: clinical testing. Allele origin: unknown.
Comment: NM_001369.2(DNAH5):c.2246delT(F749Sfs*4) is expected to be pathogenic in the context of primary ciliary dyskinesia, DNAH5-related. This variant is predicted to lead to an abnormal or absent protein product due to the creation of a premature termination codon in DNAH5, a gene where loss-of-function variants are known to be pathogenic. Please note: this variant was assessed in the context of healthy population screening.